The following is an entry in ClinVar:

NM_003098.3(SNTA1):c.124G>T (p.Val42Leu)

Genes: SNTA1 (syntrophin alpha 1; minus strand), LOC130065680 (ATAC-STARR-seq lymphoblastoid silent region 12812; plus strand). Cytogenetic location: 20q11.21.
Variant type: single nucleotide variant.
Coding change: c.124G>T on transcript NM_003098.3 (MANE Select); coding-DNA position 124, G replaced by T.
Protein change: p.Val42Leu; replaces valine 42 with leucine.
Molecular consequence: missense variant.
Genome position (GRCh38, 1-based): chr20:33,443,497, C>A on the plus strand (G>T on the coding strand, the complement: SNTA1 is on the minus strand). VCF-style: chr20-33443497-C-A. GRCh37 (hg19) VCF-style: chr20-32031303-C-A.
Other names: short protein forms V42L.
Identifiers: ClinVar variation 2142642 (VCV002142642.6), dbSNP rs1007572324, ClinGen allele CA313279097.

ClinVar aggregate classification (germline): Uncertain significance. Review status: criteria provided, multiple submitters, no conflicts (2 of 4 stars). 3 submissions from 3 submitters: Uncertain significance (3). Last evaluated 2025-09-05.

Conditions:
Long QT syndrome (LQTS). Identifiers: MedGen C0023976, MeSH D008133, MONDO:0002442. Disease mechanism: loss of function. Inheritance: Various modes of inheritance.
Cardiovascular phenotype. Identifiers: MedGen CN230736.

Allele frequency attached by ClinVar (database versions not stated): gnomAD 0.00001; TOPMed 0.00003.

Submissions (3):

Ambry Genetics
Classification: Uncertain significance for Cardiovascular phenotype. Last evaluated: 2025-09-05. Review status: criteria provided, single submitter. Criteria: Ambry Variant Classification Scheme 2023. Collection method: clinical testing. Allele origin: germline.

Labcorp Genetics (formerly Invitae), Labcorp
Classification: Uncertain significance for Long QT syndrome. Last evaluated: 2024-08-28. Review status: criteria provided, single submitter. Criteria: Invitae Variant Classification Sherloc (09022015). Collection method: clinical testing. Allele origin: germline.
Comment: This sequence change replaces valine, which is neutral and non-polar, with leucine, which is neutral and non-polar, at codon 42 of the SNTA1 protein (p.Val42Leu). This variant is not present in population databases (gnomAD no frequency). This variant has not been reported in the literature in individuals affected with SNTA1-related conditions. ClinVar contains an entry for this variant (Variation ID: 2142642). Invitae Evidence Modeling of protein sequence and biophysical properties (such as structural, functional, and spatial information, amino acid conservation, physicochemical variation, residue mobility, and thermodynamic stability) indicates that this missense variant is not expected to disrupt SNTA1 protein function with a negative predictive value of 80%. In summary, the available evidence is currently insufficient to determine the role of this variant in disease. Therefore, it has been classified as a Variant of Uncertain Significance.

GeneDx
Classification: Uncertain significance. Last evaluated: 2022-10-19. Review status: criteria provided, single submitter. Criteria: GeneDx Variant Classification Process June 2021. Collection method: clinical testing. Allele origin: germline. Affected: yes.
Comment: Not observed at significant frequency in large population cohorts (gnomAD); In silico analysis supports that this missense variant does not alter protein structure/function; Has not been previously published as pathogenic or benign to our knowledge